The following is an entry in ClinVar:

ClinVar aggregate classification (germline): Uncertain significance. Review status: criteria provided, multiple submitters, no conflicts (2 of 4 stars). 2 submissions from 2 submitters: Uncertain significance (2). Last evaluated 2025-12-23.

Allele frequency attached by ClinVar (database versions not stated): gnomAD exomes below 0.00001; gnomAD 0.00001 and 0.00005; TOPMed 0.00001.
gnomAD v4.1: 9 of 1,605,692 alleles (0.00056%); highest among the groups gnomAD compares: Admixed American, 0.012%; 1 homozygote.

Submissions (2):

Labcorp Genetics (formerly Invitae), Labcorp
Classification: Uncertain significance. Last evaluated: 2025-12-23. Review status: criteria provided, single submitter. Criteria: Invitae Variant Classification Sherloc (09022015). Collection method: clinical testing. Allele origin: germline.
Comment: This sequence change replaces glycine, which is neutral and non-polar, with cysteine, which is neutral and slightly polar, at codon 209 of the GPR45 protein (p.Gly209Cys). This variant is present in population databases (no rsID available, gnomAD 0.007%). This variant has not been reported in the literature in individuals affected with GPR45-related conditions. ClinVar contains an entry for this variant (Variation ID: 1473815). An algorithm developed to predict the effect of missense changes on protein structure and function (PolyPhen-2) suggests that this variant is likely to be tolerated. In summary, the available evidence is currently insufficient to determine the role of this variant in disease. Therefore, it has been classified as a Variant of Uncertain Significance.

Ambry Genetics
Classification: Uncertain significance. Last evaluated: 2025-08-07. Review status: criteria provided, single submitter. Criteria: Ambry Variant Classification Scheme 2023. Collection method: clinical testing. Allele origin: germline.

NM_007227.3(GPR45):c.625G>T (p.Gly209Cys)

Gene: GPR45 (G protein-coupled receptor 45; plus strand). Cytogenetic location: 2q12.1.
Variant type: single nucleotide variant.
Coding change: c.625G>T on transcript NM_007227.3 (MANE Select); coding-DNA position 625, G replaced by T.
Protein change: p.Gly209Cys; replaces glycine 209 with cysteine.
Molecular consequence: missense variant.
Genome position (GRCh38, 1-based): chr2:105,242,483, G>T. VCF-style: chr2-105242483-G-T. GRCh37 (hg19) VCF-style: chr2-105858940-G-T.
Other names: short protein forms G209C.
Identifiers: ClinVar variation 1473815 (VCV001473815.7), dbSNP rs962014378, ClinGen allele CA53398351.
Genomic context (GRCh38, chr2:105,242,483, plus strand): 5'-CTCCCCGCTGACCGCGCCTACGTGGTCACCTTGGTGGTGGCCGTGTTCTTCGCGCCCTTT[G>T]GCGTCATGCTGTGCGCCTACATGTGCATCCTCAACACGGTCCGCAAGAACGCCGTGCGCG-3'
Protein context (NP_009158.3, residues 199-219): LVVAVFFAPF[Gly209Cys]VMLCAYMCIL